The following is an entry in ClinVar:

NM_001377.3(DYNC2H1):c.7541-129del

Gene: DYNC2H1 (dynein cytoplasmic 2 heavy chain 1; plus strand). Cytogenetic location: 11q22.3.
Variant type: Deletion.
Coding change: c.7541-129del on transcript NM_001377.3 (MANE Select); 129 bases into the intron before coding-DNA position 7541, one base deleted (T; older notation c.7541-129delT).
Molecular consequence: intron variant.
Genome position (GRCh38, 1-based): chr11:103,191,968, T deleted; the last of 7 consecutive T bases (chr11:103,191,962-103,191,968); deleting any one gives the same sequence. VCF-style (leftmost placement, unchanged base first): chr11-103191961-CT-C. GRCh37 (hg19) VCF-style: chr11-103062690-CT-C.
Other names: c.7541-129del (NM_001080463.2).
Identifiers: ClinVar variation 2507212 (VCV002507212.1), dbSNP rs562915326, ClinGen allele CA227406475.
Genomic context (GRCh38, chr11:103,191,961, plus strand): 5'-TTAATGTCATCTTTAAGTAATCACAAACATGTACCAACTTATTAACAAAATGAATTTTAA[CT>C]TTTTTTCCTTTCTTCCATTTATCTGATGCCAAAATTATGGTATGTAGACACCTGCTATTT-3'

ClinVar aggregate classification (germline): Likely benign (1 of 4 stars; one submission).

Submission:

GeneDx
Classification: Likely benign. Last evaluated: 2020-12-18. Review status: criteria provided, single submitter. Criteria: GeneDx Variant Classification Process June 2021. Collection method: clinical testing. Allele origin: germline. Affected: yes.
Comment: See Variant Classification Assertion Criteria.